The following is an entry in ClinVar:

NM_001009994.3(RIPPLY2):c.67C>T (p.Pro23Ser)

Genes: RIPPLY2 (ripply transcriptional repressor 2; plus strand), RIPPLY2-CYB5R4 (RIPPLY2-CYB5R4 readthrough; plus strand). Cytogenetic location: 6q14.2.
Variant type: single nucleotide variant.
Coding change: c.67C>T on transcript NM_001009994.3 (MANE Select); coding-DNA position 67, C replaced by T.
Protein change: p.Pro23Ser; replaces proline 23 with serine.
Molecular consequence: missense variant. On other transcripts: non-coding transcript variant (1).
Genome position (GRCh38, 1-based): chr6:83,853,483, C>T. VCF-style: chr6-83853483-C-T. GRCh37 (hg19) VCF-style: chr6-84563202-C-T.
Other names: c.67C>T, p.Pro23Ser (NM_001400900.1); short protein forms P23S.
Identifiers: ClinVar variation 3695800 (VCV003695800.2).

ClinVar aggregate classification (germline): Uncertain significance (1 of 4 stars; one submission).

gnomAD v4.1: 6 of 1,539,632 alleles (0.00039%); highest among the groups gnomAD compares: Non-Finnish European, 0.00052%; no homozygotes.

Submission:

Labcorp Genetics (formerly Invitae), Labcorp
Classification: Uncertain significance. Last evaluated: 2024-05-13. Review status: criteria provided, single submitter. Criteria: Invitae Variant Classification Sherloc (09022015). Collection method: clinical testing. Allele origin: germline.
Comment: This sequence change replaces proline, which is neutral and non-polar, with serine, which is neutral and polar, at codon 23 of the RIPPLY2 protein (p.Pro23Ser). This variant is not present in population databases (gnomAD no frequency). This variant has not been reported in the literature in individuals affected with RIPPLY2-related conditions. An algorithm developed to predict the effect of missense changes on protein structure and function (PolyPhen-2) suggests that this variant is likely to be disruptive. In summary, the available evidence is currently insufficient to determine the role of this variant in disease. Therefore, it has been classified as a Variant of Uncertain Significance.